The following is an entry in ClinVar:

NM_001042492.3(NF1):c.6643-3T>C

Gene: NF1 (neurofibromin 1; plus strand). Cytogenetic location: 17q11.2.
Variant type: single nucleotide variant.
Coding change: c.6643-3T>C on transcript NM_001042492.3 (MANE Select); 3 bases into the intron before coding-DNA position 6643, T replaced by C.
Molecular consequence: intron variant.
Genome position (GRCh38, 1-based): chr17:31,337,816, T>C. VCF-style: chr17-31337816-T-C. GRCh37 (hg19) VCF-style: chr17-29664834-T-C.
Other names: c.6580-3T>C (NM_000267.4).
Identifiers: ClinVar variation 3879083 (VCV003879083.1).
Genomic context (GRCh38, chr17:31,337,816, plus strand): 5'-ATTATTTAAACAGTTCTAAAAACATTTATGTACAATATGTATTCAGAGTATCCCCTTTTT[T>C]AGGCATGCATGAGAGATATTCCAACGTGCAAGTGGCTGGACCAGTGGACAGAACTAGCTC-3'

ClinVar aggregate classification (germline): Uncertain significance (1 of 4 stars; one submission).

Conditions:
Cardiovascular phenotype. Identifiers: MedGen CN230736.
Hereditary cancer-predisposing syndrome. Also called: Tumor predisposition; Neoplastic Syndromes, Hereditary; Hereditary Cancer Syndrome; Hereditary neoplastic syndrome. Identifiers: Orphanet 140162, MedGen C0027672, MeSH D009386, MONDO:0015356.

gnomAD v4.1: 1 of 1,613,650 alleles (0.000062%); highest among the groups gnomAD compares: East Asian, 0.0022%; no homozygotes.

Submission:

Ambry Genetics
Classification: Uncertain significance for Cardiovascular phenotype; Hereditary cancer-predisposing syndrome. Last evaluated: 2025-02-12. Review status: criteria provided, single submitter. Criteria: Ambry Variant Classification Scheme 2023. Collection method: clinical testing. Allele origin: germline.
Comment: The c.6580-3T>C intronic variant results from a T to C substitution 3 nucleotides upstream from coding exon 43 in the NF1 gene. This nucleotide position is not well conserved in available vertebrate species. In silico splice site analysis predicts that this alteration will not have any significant effect on splicing. Based on the available evidence, the clinical significance of this variant remains unclear.